The following is an entry in ClinVar:

ClinVar aggregate classification (germline): Conflicting classifications of pathogenicity. Review status: criteria provided, conflicting classifications (1 of 4 stars). 2 submissions from 2 submitters: Uncertain significance (1); Likely benign (1). Last evaluated 2023-03-23.

Conditions:
Hereditary cancer-predisposing syndrome. Also called: Tumor predisposition; Hereditary neoplastic syndrome; Neoplastic Syndromes, Hereditary; Hereditary Cancer Syndrome. Identifiers: Orphanet 140162, MedGen C0027672, MeSH D009386, MONDO:0015356.
Hereditary breast ovarian cancer syndrome. Also called: BRCA1- and BRCA2-Associated Hereditary Breast and Ovarian Cancer; Hereditary breast and ovarian cancer; Hereditary breast and/or ovarian cancer syndrome; Hereditary breast and ovarian cancer syndrome; Hereditary breast and ovarian cancer syndrome (HBOC); Breast and ovarian cancer. Identifiers: Orphanet 145, MedGen C0677776, MeSH D061325, MONDO:0003582. Disease mechanism: loss of function.

Allele frequency attached by ClinVar (database versions not stated): gnomAD 0.00001.
gnomAD v4.1: 1 of 1,613,876 alleles (0.000062%); highest among the groups gnomAD compares: East Asian, 0.0022%; no homozygotes.

Submissions (2):

University of Washington Department of Laboratory Medicine, University of Washington
Classification: Likely benign for Hereditary cancer-predisposing syndrome. Last evaluated: 2023-03-23. Review status: criteria provided, single submitter. Criteria: Dines et al. (Genet Med. 2020). Collection method: curation. Allele origin: germline.
Comment: Missense variant in a coldspot region where missense variants are very unlikely to be pathogenic (PMID:31911673).

BRCA1 coldspot (exon 11 using historical exon numbering). Reclassification based on statistical prior probability

Labcorp Genetics (formerly Invitae), Labcorp
Classification: Uncertain significance for Hereditary breast ovarian cancer syndrome. Last evaluated: 2021-06-16. Review status: criteria provided, single submitter. Criteria: Invitae Variant Classification Sherloc (09022015). Collection method: clinical testing. Allele origin: germline.
Comment: Advanced modeling of protein sequence and biophysical properties (such as structural, functional, and spatial information, amino acid conservation, physicochemical variation, residue mobility, and thermodynamic stability) performed at Invitae indicates that this missense variant is not expected to disrupt BRCA1 protein function. This variant has not been reported in the literature in individuals with BRCA1-related conditions. This variant is not present in population databases (ExAC no frequency). In summary, the available evidence is currently insufficient to determine the role of this variant in disease. Therefore, it has been classified as a Variant of Uncertain Significance. This sequence change replaces serine with arginine at codon 588 of the BRCA1 protein (p.Ser588Arg). The serine residue is moderately conserved and there is a moderate physicochemical difference between serine and arginine.

NM_007294.4(BRCA1):c.1764C>A (p.Ser588Arg)

Gene: BRCA1 (BRCA1 DNA repair associated; minus strand). Cytogenetic location: 17q21.31.
Variant type: single nucleotide variant.
Coding change: c.1764C>A on transcript NM_007294.4 (MANE Select); coding-DNA position 1764, C replaced by A.
Protein change: p.Ser588Arg; replaces serine 588 with arginine.
Molecular consequence: missense variant. On other transcripts: intron variant (137).
Genome position (GRCh38, 1-based): chr17:43,093,767, G>T on the plus strand (C>A on the coding strand, the complement: BRCA1 is on the minus strand). VCF-style: chr17-43093767-G-T. GRCh37 (hg19) VCF-style: chr17-41245784-G-T.
Other names: c.1551C>A, p.Ser517Arg (NM_001407571.1, NM_001407853.1, NM_001407894.1 and 9 more transcripts); c.1764C>A, p.Ser588Arg (NM_001407581.1, NM_001407582.1, NM_001407583.1 and 30 more transcripts); c.1761C>A, p.Ser587Arg (NM_001407587.1, NM_001407590.1, NM_001407591.1 and 22 more transcripts); c.1755C>A, p.Ser585Arg (NM_001407646.1, NM_001407647.1); c.1641C>A, p.Ser547Arg (NM_001407648.1, NM_001407664.1, NM_001407665.1 and 19 more transcripts); c.1638C>A, p.Ser546Arg (NM_001407649.1, NM_001407670.1, NM_001407671.1 and 11 more transcripts); c.1686C>A, p.Ser562Arg (NM_001407653.1, NM_001407654.1, NM_001407655.1 and 4 more transcripts); c.1683C>A, p.Ser561Arg (NM_001407659.1, NM_001407660.1, NM_001407661.1 and 1 more transcripts); and 40 more; short protein forms S541R, S588R, S292R, S476R, S518R, S562R, S420R, S477R.
Identifiers: ClinVar variation 1361721 (VCV001361721.11), dbSNP rs1597874296, ClinGen allele CA10598499.